The following is an entry in ClinVar:

NM_003873.7(NRP1):c.1429C>T (p.Pro477Ser)

Gene: NRP1 (neuropilin 1; minus strand). Cytogenetic location: 10p11.22.
Variant type: single nucleotide variant.
Coding change: c.1429C>T on transcript NM_003873.7 (MANE Select); coding-DNA position 1429, C replaced by T.
Protein change: p.Pro477Ser; replaces proline 477 with serine.
Molecular consequence: missense variant. On other transcripts: non-coding transcript variant (1).
Genome position (GRCh38, 1-based): chr10:33,213,571, G>A on the plus strand (C>T on the coding strand, the complement: NRP1 is on the minus strand). VCF-style: chr10-33213571-G-A. GRCh37 (hg19) VCF-style: chr10-33502499-G-A.
Other names: c.1429C>T, p.Pro477Ser (NM_001024628.3, NM_001024629.3, NM_001244972.2 and 2 more transcripts); short protein forms P477S.
Identifiers: ClinVar variation 3345466 (VCV003345466.1).
Genomic context (GRCh38, chr10:33,213,571, plus strand): 5'-CCCTCACGATCTTCTCCTCCCCCAGGTCTATTTGGAGCCACTCATTGATGTAGGAATGAG[G>A]TGCGGGTGGAAGTGCCCAGCCAGAGCGACTGGTTACCAGGCGGATGTTTTCAGGCATCCA-3'
Protein context (NP_003864.5, residues 467-487): SRSGWALPPA[Pro477Ser]HSYINEWLQI

ClinVar aggregate classification (germline): Uncertain significance (0 of 4 stars; one submission).

Conditions:
NRP1-related disorder. Also called: NRP1-related condition.

gnomAD v4.1: 1 of 1,614,058 alleles (0.000062%); highest among the groups gnomAD compares: South Asian, 0.0011%; no homozygotes.

Submission:

PreventionGenetics, part of Exact Sciences
Classification: Uncertain significance for NRP1-related condition. Last evaluated: 2024-06-08. Review status: no assertion criteria provided. Collection method: clinical testing. Allele origin: germline.
Comment: The NRP1 c.1429C>T variant is predicted to result in the amino acid substitution p.Pro477Ser. To our knowledge, this variant has not been reported in the literature. This variant is reported in 0.00088% of alleles in individuals of European (Non-Finnish) descent in gnomAD. At this time, the clinical significance of this variant is uncertain due to the absence of conclusive functional and genetic evidence.